The following is an entry in ClinVar:

NM_201384.3(PLEC):c.1100A>G (p.Glu367Gly)

Gene: PLEC (plectin; minus strand). Cytogenetic location: 8q24.3.
Variant type: single nucleotide variant.
Coding change: c.1100A>G on transcript NM_201384.3 (MANE Select); coding-DNA position 1100, A replaced by G.
Protein change: p.Glu367Gly; replaces glutamic acid 367 with glycine.
Molecular consequence: missense variant.
Genome position (GRCh38, 1-based): chr8:143,934,387, T>C on the plus strand (A>G on the coding strand, the complement: PLEC is on the minus strand). VCF-style: chr8-143934387-T-C. GRCh37 (hg19) VCF-style: chr8-145008555-T-C.
Other names: c.1181A>G, p.Glu394Gly (NM_000445.5, NM_001410941.1); c.1058A>G, p.Glu353Gly (NM_201378.4); c.1034A>G, p.Glu345Gly (NM_201379.3); c.1511A>G, p.Glu504Gly (NM_201380.4); c.1004A>G, p.Glu335Gly (NM_201381.3); c.1100A>G, p.Glu367Gly (NM_201382.4); c.1112A>G, p.Glu371Gly (NM_201383.3); short protein forms E345G, E353G, E367G, E394G, E504G, E335G, E371G.
Identifiers: ClinVar variation 2938002 (VCV002938002.3), dbSNP rs782162784, ClinGen allele CA4928170.
Genomic context (GRCh38, chr8:143,934,387, plus strand): 5'-TCGCTGCGGAGCTGCTTCTCCCGCTCCAGGATGGCCACGTGCAGCTTGCCCCACTCCTTC[T>C]CCACATCCAGCGGGTGGTAGCCAGGGGGCACCTTGAGCTGGCCTGCTTGCACCGCTCCCT-3'
Protein context (NP_958786.1, residues 357-377): VPPGYHPLDV[Glu367Gly]KEWGKLHVAI

ClinVar aggregate classification (germline): Uncertain significance (1 of 4 stars; one submission).

Conditions:
Epidermolysis bullosa simplex with nail dystrophy (EBS5D). Identifiers: MedGen C4225309, MONDO:0014661, OMIM 616487.
Epidermolysis bullosa simplex 5C, with pyloric atresia (EBS5C). Also called: PLEC-Related Epidermolysis Bullosa with Pyloric Atresia; Epidermolysis bullosa simplex with pyloric atresia; PLEC1-Related Epidermolysis Bullosa with Pyloric Atresia. Identifiers: Orphanet 158684, MedGen C2677349, MONDO:0012807, OMIM 612138.
Autosomal recessive limb-girdle muscular dystrophy type 2Q (LGMDR17). Also called: MUSCULAR DYSTROPHY, LIMB-GIRDLE, AUTOSOMAL RECESSIVE 17. Identifiers: Orphanet 254361, MedGen C3150989, MONDO:0013390, OMIM 613723.
Epidermolysis bullosa simplex, Ogna type (EBS5A). Also called: Pidermolysis bullosa simplex 5A, Ogna type; EPIDERMOLYSIS BULLOSA SIMPLEX 5A, OGNA TYPE. Identifiers: Orphanet 79401, MedGen C0432317, MONDO:0007555, OMIM 131950.
Epidermolysis bullosa simplex 5B, with muscular dystrophy (EBS5B). Also called: EPIDERMOLYSIS BULLOSA SIMPLEX AND LIMB-GIRDLE MUSCULAR DYSTROPHY; Epidermolysis bullosa simplex with muscular dystrophy. Identifiers: Orphanet 257, MedGen C2931072, MONDO:0009181, OMIM 226670.

Allele frequency attached by ClinVar (database versions not stated): gnomAD exomes below 0.00001; TOPMed below 0.00001; ExAC 0.00001.
gnomAD v4.1: 1 of 1,612,546 alleles (0.000062%); highest among the groups gnomAD compares: Admixed American, 0.0017%; no homozygotes.

Submission:

Labcorp Genetics (formerly Invitae), Labcorp
Classification: Uncertain significance for Autosomal recessive limb-girdle muscular dystrophy type 2Q; Epidermolysis bullosa simplex, Ogna type; Epidermolysis bullosa simplex with nail dystrophy; Epidermolysis bullosa simplex 5C, with pyloric atresia; Epidermolysis bullosa simplex 5B, with muscular dystrophy. Last evaluated: 2024-01-05. Review status: criteria provided, single submitter. Criteria: Invitae Variant Classification Sherloc (09022015). Collection method: clinical testing. Allele origin: germline.
Comment: This sequence change replaces glutamic acid, which is acidic and polar, with glycine, which is neutral and non-polar, at codon 394 of the PLEC protein (p.Glu394Gly). The frequency data for this variant in the population databases is considered unreliable, as metrics indicate poor data quality at this position in the gnomAD database. This variant has not been reported in the literature in individuals affected with PLEC-related conditions. Experimental studies and prediction algorithms are not available or were not evaluated, and the functional significance of this variant is currently unknown. In summary, the available evidence is currently insufficient to determine the role of this variant in disease. Therefore, it has been classified as a Variant of Uncertain Significance.